The following is an entry in ClinVar:

ClinVar aggregate classification (germline): Likely benign. Review status: criteria provided, multiple submitters, no conflicts (2 of 4 stars). 5 submissions from 5 submitters: Likely benign (4). 1 of the submissions does not count toward it. Last evaluated 2026-03-01.

Conditions:
Dystrophin deficiency.
Cardiomyopathy (CMYO). Also called: Cardiomyopathies. Identifiers: Orphanet 167848, MedGen C0878544, MONDO:0004994, HP:0001638. Inheritance: Various modes of inheritance.
Becker muscular dystrophy (BMD). Also called: Becker Muscular Dystrophy (BMD); MUSCULAR DYSTROPHY, PSEUDOHYPERTROPHIC PROGRESSIVE, BECKER TYPE. Identifiers: Orphanet 98895, MedGen C0917713, MONDO:0010311, OMIM 300376.
Duchenne muscular dystrophy (DMD). Also called: MUSCULAR DYSTROPHY, PSEUDOHYPERTROPHIC PROGRESSIVE, DUCHENNE TYPE; Duchenne Muscular Dystrophy (DMD). Identifiers: Orphanet 98896, MedGen C0013264, MONDO:0010679, OMIM 310200.
Cardiovascular phenotype. Identifiers: MedGen CN230736.

Allele frequency attached by ClinVar (database versions not stated): gnomAD 0.00001; gnomAD exomes 0.00001; TOPMed 0.00001.
gnomAD v4.1: 20 of 1,207,634 alleles (0.0017%); highest among the groups gnomAD compares: Non-Finnish European, 0.0021%; no homozygotes.

Submissions (5):

CeGaT Center for Human Genetics Tuebingen
Classification: Likely benign. Last evaluated: 2026-03-01. Review status: criteria provided, single submitter. Criteria: CeGaT Center For Human Genetics Tuebingen Variant Classification Criteria Version 2. Collection method: clinical testing. Allele origin: germline. Affected: yes. Observed: 1 variant allele.
Comment: DMD: BP4, BS2

Labcorp Genetics (formerly Invitae), Labcorp
Classification: Likely benign for Duchenne muscular dystrophy. Last evaluated: 2025-12-09. Review status: criteria provided, single submitter. Criteria: Invitae Variant Classification Sherloc (09022015). Collection method: clinical testing. Allele origin: germline.

Ambry Genetics
Classification: Likely benign for Cardiovascular phenotype. Last evaluated: 2022-09-05. Review status: criteria provided, single submitter. Criteria: Ambry Variant Classification Scheme 2023. Collection method: clinical testing. Allele origin: germline.

GeneDx
Classification: Likely benign. Last evaluated: 2017-08-17. Review status: criteria provided, single submitter. Criteria: GeneDx Variant Classification (06012015). Collection method: clinical testing. Allele origin: germline. Affected: yes.
Comment: This variant is considered likely benign or benign based on one or more of the following criteria: it is a conservative change, it occurs at a poorly conserved position in the protein, it is predicted to be benign by multiple in silico algorithms, and/or has population frequency not consistent with disease.

Natera, Inc.
Classification: Likely benign for Becker muscular dystrophy; Cardiomyopathy; Duchenne muscular dystrophy; Dystrophin deficiency. Last evaluated: 2018-09-17. Review status: no assertion criteria provided. Collection method: clinical testing. Allele origin: germline. Not counted in ClinVar's aggregate classification.

NM_004006.3(DMD):c.10272G>A (p.Ser3424=)

Gene: DMD (dystrophin; minus strand). Cytogenetic location: Xp21.2.
Variant type: single nucleotide variant.
Coding change: c.10272G>A on transcript NM_004006.3 (MANE Select); coding-DNA position 10272, G replaced by A.
Protein change: p.Ser3424=; no amino-acid change (serine 3424 retained).
Molecular consequence: synonymous variant. On other transcripts: intron variant (2).
Genome position (GRCh38, 1-based): chrX:31,173,595, C>T on the plus strand (G>A on the coding strand, the complement: DMD is on the minus strand). VCF-style: chrX-31173595-C-T. GRCh37 (hg19) VCF-style: chrX-31191712-C-T.
Other names: c.10248G>A, p.Ser3416= (NM_000109.4); c.10260G>A, p.Ser3420= (NM_004009.3); c.9903G>A, p.Ser3301= (NM_004010.3); c.6249G>A, p.Ser2083= (NM_004011.4); c.6240G>A, p.Ser2080= (NM_004012.4); c.2892G>A, p.Ser964= (NM_004013.3, NM_004021.3); c.2085G>A, p.Ser695= (NM_004014.3); c.1068G>A, p.Ser356= (NM_004015.3, NM_004016.3); and 3 more.
Identifiers: ClinVar variation 511533 (VCV000511533.17), dbSNP rs1400465644, ClinGen allele CA515857181.